The following is an entry in ClinVar:

ClinVar aggregate classification (germline): Uncertain significance (1 of 4 stars; one submission).

Submission:

GeneDx
Classification: Uncertain significance. Last evaluated: 2022-06-29. Review status: criteria provided, single submitter. Criteria: GeneDx Variant Classification Process June 2021. Collection method: clinical testing. Allele origin: germline. Affected: yes.
Comment: Not observed at significant frequency in large population cohorts (gnomAD); In silico analysis supports that this missense variant has a deleterious effect on protein structure/function; In silico analysis supports a deleterious effect on splicing; Has not been previously published as pathogenic or benign to our knowledge

NM_002691.4(POLD1):c.2590G>C (p.Ala864Pro)

Gene: POLD1 (DNA polymerase delta 1, catalytic subunit; plus strand). Cytogenetic location: 19q13.33.
Variant type: single nucleotide variant.
Coding change: c.2590G>C on transcript NM_002691.4 (MANE Select); coding-DNA position 2590, G replaced by C.
Protein change: p.Ala864Pro; replaces alanine 864 with proline.
Molecular consequence: missense variant. On other transcripts: non-coding transcript variant (1).
Genome position (GRCh38, 1-based): chr19:50,415,463, G>C. VCF-style: chr19-50415463-G-C. GRCh37 (hg19) VCF-style: chr19-50918720-G-C.
Other names: c.2590G>C, p.Ala864Pro (NM_001256849.1); c.2668G>C, p.Ala890Pro (NM_001308632.1); short protein forms A864P, A890P.
Identifiers: ClinVar variation 1810189 (VCV001810189.1), dbSNP rs765437818, ClinGen allele CA406985348.
Genomic context (GRCh38, chr19:50,415,463, plus strand): 5'-CTTTTGGTGACGCTGTGCGGCCCGCTCTCCTACAGAGACCCTGAGGGCGCGGTGGCTCAC[G>C]CACAGGACGTCATCTCGGACCTGCTGTGCAACCGCATCGATATCTCCCAGCTGGTCATCA-3'
Protein context (NP_002682.2, residues 854-874): DRDPEGAVAH[Ala864Pro]QDVISDLLCN